The following is an entry in ClinVar:

NM_177438.3(DICER1):c.4786del (p.Arg1596fs)

Gene: DICER1 (dicer 1, ribonuclease III; minus strand). Cytogenetic location: 14q32.13.
Variant type: Deletion.
Coding change: c.4786del on transcript NM_177438.3 (MANE Select); coding-DNA position 4786, one base deleted (A; older notation c.4786delA).
Protein change: p.Arg1596fs; shifts the reading frame from arginine 1596.
Molecular consequence: frameshift variant. On other transcripts: non-coding transcript variant (6).
Genome position (GRCh38, 1-based): chr14:95,096,134, T deleted on the plus strand (A on the coding strand, the reverse complement: DICER1 is on the minus strand); the first of 4 consecutive T bases (chr14:95,096,134-95,096,137); deleting any one gives the same sequence. VCF-style (leftmost placement, unchanged base first): chr14-95096133-CT-C. GRCh37 (hg19) VCF-style: chr14-95562470-CT-C.
Other names: p.(Arg1596Glyfs*24); c.4786del, p.Arg1596fs (NM_001195573.1, NM_001271282.3, NM_001291628.2 and 12 more transcripts); c.4504del, p.Arg1502fs (NM_001395686.1); c.4381del, p.Arg1461fs (NM_001395687.1, NM_001395688.1, NM_001395689.1 and 2 more transcripts); c.4219del, p.Arg1407fs (NM_001395691.1); c.3103del, p.Arg1035fs (NM_001395697.1); short protein forms R1035fs, R1407fs, R1461fs, R1502fs, R1596fs.
Identifiers: ClinVar variation 4686636 (VCV004686636.1).

ClinVar aggregate classification (germline): Pathogenic (1 of 4 stars; one submission).

Conditions:
DICER1-related tumor predisposition. Also called: DICER1-related pleuropulmonary blastoma cancer predisposition syndrome; DICER1 syndrome. Identifiers: Orphanet 284343, MedGen C3839822, MONDO:0100216.

Submission:

Unidad de Genómica Garrahan, Hospital de Pediatría Garrahan
Classification: Pathogenic for DICER1-related tumor predisposition. Last evaluated: 2025-12-01. Review status: criteria provided, single submitter. Criteria: Hatton et al. (Hum Mutat. 2023). Collection method: clinical testing. Allele origin: germline. Affected: yes.
Comment: Frameshift variant predicted to result in protein truncation in a gene for which loss-of-function is a known mechanism of disease (PVS1_very strong). The variant was classified as de novo after ruling out its presence in both parents (assumed paternity) (PS2_moderate). Based on the available evidence and following the ClinGen DICER1 and miRNA-Processing Gene Expert Panel Specifications to the ACMG/AMP Variant Interpretation Guidelines for DICER1 (PMID: 38084291) this alteration is classified as pathogenic.